The following is an entry in ClinVar:

NM_001199107.2(TBC1D24):c.*2529A>T

Gene: TBC1D24 (TBC1 domain family member 24; plus strand). Cytogenetic location: 16p13.3.
Variant type: single nucleotide variant.
Coding change: c.*2529A>T on transcript NM_001199107.2 (MANE Select); 2529 bases downstream of the stop codon, A replaced by T.
Molecular consequence: 3 prime UTR variant.
Genome position (GRCh38, 1-based): chr16:2,503,487, A>T. VCF-style: chr16-2503487-A-T. GRCh37 (hg19) VCF-style: chr16-2553488-A-T.
Other names: c.*2529A>T (NM_020705.3).
Identifiers: ClinVar variation 318662 (VCV000318662.5), dbSNP rs565226115, ClinGen allele CA10637460.

ClinVar aggregate classification (germline): Benign (1 of 4 stars; one submission).

Conditions:
Familial infantile myoclonic epilepsy (FIME). Also called: TBC1D24-Related Familial Infantile Myoclonic Epilepsy (FIME); Epilepsy, Myoclonic, Infantile. Identifiers: Orphanet 352582, MedGen C0917800, MONDO:0011506, OMIM 605021.

Allele frequency attached by ClinVar (database versions not stated): gnomAD 0.02027 and 0.02169; 1000 Genomes Project 30x 0.02108; 1000 Genomes Project 0.02117.

Submission:

Illumina Laboratory Services, Illumina
Classification: Benign for Familial infantile myoclonic epilepsy. Last evaluated: 2018-01-13. Review status: criteria provided, single submitter. Criteria: ICSL Variant Classification Criteria 13 December 2019. Collection method: clinical testing. Allele origin: germline.
Comment: This variant was observed in the ICSL laboratory as part of a predisposition screen in an ostensibly healthy population. It had not been previously curated by ICSL or reported in the Human Gene Mutation Database (HGMD: prior to June 1st, 2018), and was therefore a candidate for classification through an automated scoring system. Utilizing variant allele frequency, disease prevalence and penetrance estimates, and inheritance mode, an automated score was calculated to assess if this variant is too frequent to cause the disease. Based on the score and internal cut-off values, a variant classified as benign is not then subjected to further curation. The score for this variant resulted in a classification of benign for this disease.